The following is an entry in ClinVar:

NM_001029883.3(PCARE):c.2793C>A (p.Ser931Arg)

Gene: PCARE (photoreceptor cilium actin regulator; minus strand). Cytogenetic location: 2p23.2.
Variant type: single nucleotide variant.
Coding change: c.2793C>A on transcript NM_001029883.3 (MANE Select); coding-DNA position 2793, C replaced by A.
Protein change: p.Ser931Arg; replaces serine 931 with arginine.
Molecular consequence: missense variant.
Genome position (GRCh38, 1-based): chr2:29,071,469, G>T on the plus strand (C>A on the coding strand, the complement: PCARE is on the minus strand). VCF-style: chr2-29071469-G-T. GRCh37 (hg19) VCF-style: chr2-29294335-G-T.
Other names: short protein forms S931R.
Identifiers: ClinVar variation 1956028 (VCV001956028.5), dbSNP rs766845528, ClinGen allele CA1592123.

ClinVar aggregate classification (germline): Uncertain significance (1 of 4 stars; one submission).

Allele frequency attached by ClinVar (database versions not stated): gnomAD exomes 0.00001; TOPMed 0.00002; ExAC 0.00003.
gnomAD v4.1: 3 of 1,611,922 alleles (0.00019%); highest among the groups gnomAD compares: Admixed American, 0.0033%; no homozygotes.

Submission:

Labcorp Genetics (formerly Invitae), Labcorp
Classification: Uncertain significance. Last evaluated: 2022-05-17. Review status: criteria provided, single submitter. Criteria: Invitae Variant Classification Sherloc (09022015). Collection method: clinical testing. Allele origin: germline.
Comment: In summary, the available evidence is currently insufficient to determine the role of this variant in disease. Therefore, it has been classified as a Variant of Uncertain Significance. Algorithms developed to predict the effect of missense changes on protein structure and function (SIFT, PolyPhen-2, Align-GVGD) all suggest that this variant is likely to be tolerated. This variant has not been reported in the literature in individuals affected with PCARE-related conditions. This variant is present in population databases (rs766845528, gnomAD 0.009%). This sequence change replaces serine, which is neutral and polar, with arginine, which is basic and polar, at codon 931 of the PCARE protein (p.Ser931Arg).